The following is an entry in ClinVar:

NM_000057.4(BLM):c.2347C>T (p.Leu783Phe)

Gene: BLM (BLM RecQ like helicase; plus strand). Cytogenetic location: 15q26.1.
Variant type: single nucleotide variant.
Coding change: c.2347C>T on transcript NM_000057.4 (MANE Select); coding-DNA position 2347, C replaced by T.
Protein change: p.Leu783Phe; replaces leucine 783 with phenylalanine.
Molecular consequence: missense variant.
Genome position (GRCh38, 1-based): chr15:90,769,172, C>T. VCF-style: chr15-90769172-C-T. GRCh37 (hg19) VCF-style: chr15-91312402-C-T.
Other names: c.2347C>T, p.Leu783Phe (NM_001287246.2, NM_001287247.2); c.1222C>T, p.Leu408Phe (NM_001287248.2); short protein forms L408F, L783F.
Identifiers: ClinVar variation 1362171 (VCV001362171.8), dbSNP rs1430052148, ClinGen allele CA393845106.

ClinVar aggregate classification (germline): Uncertain significance. Review status: criteria provided, multiple submitters, no conflicts (2 of 4 stars). 2 submissions from 2 submitters: Uncertain significance (2). Last evaluated 2024-05-24.

Conditions:
Hereditary cancer-predisposing syndrome. Also called: Tumor predisposition; Hereditary neoplastic syndrome; Neoplastic Syndromes, Hereditary; Hereditary Cancer Syndrome. Identifiers: Orphanet 140162, MedGen C0027672, MeSH D009386, MONDO:0015356.
Bloom syndrome (BLM). Also called: Bloom-Torre-Machacek syndrome. Identifiers: Orphanet 125, MedGen C0005859, MONDO:0008876, OMIM 210900.

Allele frequency attached by ClinVar (database versions not stated): gnomAD exomes below 0.00001; TOPMed below 0.00001; gnomAD 0.00001.
gnomAD v4.1: 2 of 1,613,740 alleles (0.00012%); highest among the groups gnomAD compares: African/African-American, 0.0027%; no homozygotes.

Submissions (2):

Ambry Genetics
Classification: Uncertain significance for Hereditary cancer-predisposing syndrome. Last evaluated: 2024-05-24. Review status: criteria provided, single submitter. Criteria: Ambry Variant Classification Scheme 2023. Collection method: clinical testing. Allele origin: germline.
Comment: The p.L783F variant (also known as c.2347C>T), located in coding exon 10 of the BLM gene, results from a C to T substitution at nucleotide position 2347. The leucine at codon 783 is replaced by phenylalanine, an amino acid with highly similar properties. This amino acid position is highly conserved in available vertebrate species. In addition, this alteration is predicted to be tolerated by in silico analysis. Since supporting evidence is limited at this time, the clinical significance of this alteration remains unclear.

Labcorp Genetics (formerly Invitae), Labcorp
Classification: Uncertain significance for Bloom syndrome. Last evaluated: 2021-09-01. Review status: criteria provided, single submitter. Criteria: Invitae Variant Classification Sherloc (09022015). Collection method: clinical testing. Allele origin: germline.
Comment: This sequence change replaces leucine with phenylalanine at codon 783 of the BLM protein (p.Leu783Phe). The leucine residue is highly conserved and there is a small physicochemical difference between leucine and phenylalanine. This variant is not present in population databases (ExAC no frequency). This variant has not been reported in the literature in individuals affected with BLM-related conditions. Algorithms developed to predict the effect of missense changes on protein structure and function are either unavailable or do not agree on the potential impact of this missense change (SIFT: "Deleterious"; PolyPhen-2: "Probably Damaging"; Align-GVGD: "Class C0"). In summary, the available evidence is currently insufficient to determine the role of this variant in disease. Therefore, it has been classified as a Variant of Uncertain Significance.